The following is an entry in ClinVar:

NM_000026.4(ADSL):c.9T>C (p.Ala3=)

Gene: ADSL (adenylosuccinate lyase; plus strand). Cytogenetic location: 22q13.1.
Variant type: single nucleotide variant.
Coding change: c.9T>C on transcript NM_000026.4 (MANE Select); coding-DNA position 9, T replaced by C.
Protein change: p.Ala3=; no amino-acid change (alanine 3 retained).
Molecular consequence: synonymous variant. On other transcripts: 5 prime UTR variant (1), non-coding transcript variant (1).
Genome position (GRCh38, 1-based): chr22:40,346,567, T>C. VCF-style: chr22-40346567-T-C. GRCh37 (hg19) VCF-style: chr22-40742571-T-C.
Other names: c.9T>C, p.Ala3= (NM_001123378.3, NM_001363840.3); c.-129T>C (NM_001317923.2).
Identifiers: ClinVar variation 506667 (VCV000506667.9), dbSNP rs758676257, ClinGen allele CA10247577.
Genomic context (GRCh38, chr22:40,346,567, plus strand): 5'-CGCTTCCGCTCTTCCCTGGTCCAGTCCACCCTGGCGGGGTCGCAGGGTTGGGATGGCGGC[T>C]GGAGGCGATCATGGTTCGCCCGACAGCTACCGCTCACCTCTTGCCTCCCGCTATGCCAGC-3'
Protein context (NP_000017.1, residues 1-13): MA[Ala3=]GGDHGSPDSY

ClinVar aggregate classification (germline): Likely benign. Review status: criteria provided, multiple submitters, no conflicts (2 of 4 stars). 2 submissions from 2 submitters: Likely benign (2). Last evaluated 2022-02-24.

Conditions:
Adenylosuccinate lyase deficiency (ADSLD). Also called: ADSL DEFICIENCY. Identifiers: Orphanet 46, MedGen C0268126, MONDO:0007068, OMIM 103050.

Allele frequency attached by ClinVar (database versions not stated): gnomAD exomes below 0.00001; ExAC 0.00001.
gnomAD v4.1: 10 of 1,604,790 alleles (0.00062%); highest among the groups gnomAD compares: Admixed American, 0.0017%; no homozygotes.

Submissions (2):

Labcorp Genetics (formerly Invitae), Labcorp
Classification: Likely benign for Adenylosuccinate lyase deficiency. Last evaluated: 2022-02-24. Review status: criteria provided, single submitter. Criteria: Invitae Variant Classification Sherloc (09022015). Collection method: clinical testing. Allele origin: germline.

GeneDx
Classification: Likely benign. Last evaluated: 2017-08-17. Review status: criteria provided, single submitter. Criteria: GeneDx Variant Classification (06012015). Collection method: clinical testing. Allele origin: germline. Affected: yes.
Comment: This variant is considered likely benign or benign based on one or more of the following criteria: it is a conservative change, it occurs at a poorly conserved position in the protein, it is predicted to be benign by multiple in silico algorithms, and/or has population frequency not consistent with disease.